The following is an entry in ClinVar:

NM_000719.7(CACNA1C):c.538G>A (p.Ala180Thr)

Gene: CACNA1C (calcium voltage-gated channel subunit alpha1 C; plus strand). Cytogenetic location: 12p13.33.
Variant type: single nucleotide variant.
Coding change: c.538G>A on transcript NM_000719.7 (MANE Select); coding-DNA position 538, G replaced by A.
Protein change: p.Ala180Thr; replaces alanine 180 with threonine.
Molecular consequence: missense variant.
Genome position (GRCh38, 1-based): chr12:2,449,036, G>A. VCF-style: chr12-2449036-G-A. GRCh37 (hg19) VCF-style: chr12-2558202-G-A.
Other names: p.A180T:GCC>ACC; c.538G>A, p.Ala180Thr (NM_001129827.2, NM_001129829.2, NM_001129830.3 and 19 more transcripts); short protein forms A180T.
Identifiers: ClinVar variation 190690 (VCV000190690.16), dbSNP rs786205769, ClinGen allele CA301656.
Genomic context (GRCh38, chr12:2,449,036, plus strand): 5'-GAACGAGTGGAATATCTCTTTCTCATAATTTTTACGGTGGAAGCGTTTTTAAAAGTAATC[G>A]CCTATGGACTCCTCTTTCACCCCAATGCCTACCTCCGCAACGGCTGGAACCTACTAGATT-3'
Protein context (NP_000710.5, residues 170-190): FTVEAFLKVI[Ala180Thr]YGLLFHPNAY

ClinVar aggregate classification (germline): Uncertain significance. Review status: criteria provided, multiple submitters, no conflicts (2 of 4 stars). 5 submissions from 5 submitters: Uncertain significance (5). Last evaluated 2026-06-17.

Conditions:
CACNA1C-related disorder. Also called: CACNA1C-related disorders; CACNA1C-related condition. Identifiers: MedGen CN381092, MONDO:0700321.
Cardiovascular phenotype. Identifiers: MedGen CN230736.
Long QT syndrome (LQTS). Identifiers: MedGen C0023976, MeSH D008133, MONDO:0002442. Disease mechanism: loss of function. Inheritance: Various modes of inheritance.

Allele frequency attached by ClinVar (database versions not stated): gnomAD 0.00002; TOPMed 0.00002; gnomAD exomes 0.00001 and 0.00003.
gnomAD v4.1: 52 of 1,601,328 alleles (0.0032%); highest among the groups gnomAD compares: Non-Finnish European, 0.0042%; no homozygotes.

Submissions (5):

PreventionGenetics, part of Exact Sciences
Classification: Uncertain significance for CACNA1C-related condition. Last evaluated: 2026-06-17. Review status: criteria provided, single submitter. Criteria: ACMG Guidelines, 2015. Collection method: clinical testing. Allele origin: germline.
Comment: The CACNA1C c.538G>A variant is predicted to result in the amino acid substitution p.Ala180Thr. To our knowledge, this variant has not been reported in the literature. This variant is reported in 0.0054% of alleles in individuals of East Asian descent in gnomAD. At this time, the clinical significance of this variant is uncertain due to the absence of conclusive functional and genetic evidence.

Labcorp Genetics (formerly Invitae), Labcorp
Classification: Uncertain significance for Long QT syndrome. Last evaluated: 2026-01-19. Review status: criteria provided, single submitter. Criteria: Invitae Variant Classification Sherloc (09022015). Collection method: clinical testing. Allele origin: germline.
Comment: This sequence change replaces alanine, which is neutral and non-polar, with threonine, which is neutral and polar, at codon 180 of the CACNA1C protein (p.Ala180Thr). The frequency data for this variant in the population databases is considered unreliable, as metrics indicate poor data quality at this position in the gnomAD database. This variant has not been reported in the literature in individuals affected with CACNA1C-related conditions. ClinVar contains an entry for this variant (Variation ID: 190690). Invitae Evidence Modeling of protein sequence and biophysical properties (such as structural, functional, and spatial information, amino acid conservation, physicochemical variation, residue mobility, and thermodynamic stability) indicates that this missense variant is expected to disrupt CACNA1C protein function with a positive predictive value of 80%. In summary, the available evidence is currently insufficient to determine the role of this variant in disease. Therefore, it has been classified as a Variant of Uncertain Significance.

Ambry Genetics
Classification: Uncertain significance for Cardiovascular phenotype. Last evaluated: 2025-12-21. Review status: criteria provided, single submitter. Criteria: Ambry Variant Classification Scheme 2023. Collection method: clinical testing. Allele origin: germline.
Comment: The p.A180T variant (also known as c.538G>A), located in coding exon 4 of the CACNA1C gene, results from a G to A substitution at nucleotide position 538. The alanine at codon 180 is replaced by threonine, an amino acid with similar properties. This amino acid position is highly conserved in available vertebrate species. In addition, this alteration is predicted to be deleterious by in silico analysis. Since supporting evidence is limited at this time, the clinical significance of this alteration remains unclear.

AiLife Diagnostics
Classification: Uncertain significance. Last evaluated: 2022-02-10. Review status: criteria provided, single submitter. Criteria: ACMG Guidelines, 2015. Collection method: clinical testing. Allele origin: germline. Affected: yes. Observed: 2 variant alleles.

GeneDx
Classification: Uncertain significance. Last evaluated: 2017-06-21. Review status: criteria provided, single submitter. Criteria: GeneDx Variant Classification (06012015). Collection method: clinical testing. Allele origin: germline. Affected: yes.
Comment: The Ala180Thr variant in the CACNA1C gene has not been reported previously as a disease-causing mutation nor is it known to be a common benign polymorphism, to our knowledge. Ala180Thr represents a non-conservative amino acid substitution of a non-polar Alanine residue with a polar Threonine residue in an evolutionarily highly conserved position of the protein. In addition, Ala180Thr was not observed in up to 600 chromosomes of Caucasian and African American individuals tested at GeneDx, indicating it is not a common benign polymorphism in these populations. Thus, with the clinical and molecular information available at this time, we cannot conclude unequivocally that Ala180Thr is a disease-causing mutation associated with arrhythmia. The variant is found in BRUGADA panel(s).